The following is an entry in ClinVar:

NM_000051.4(ATM):c.465C>G (p.Tyr155Ter)

Gene: ATM (ATM serine/threonine kinase; plus strand). Cytogenetic location: 11q22.3.
Variant type: single nucleotide variant.
Coding change: c.465C>G on transcript NM_000051.4 (MANE Select); coding-DNA position 465, C replaced by G.
Protein change: p.Tyr155Ter; replaces tyrosine 155 with a stop codon.
Molecular consequence: nonsense.
Genome position (GRCh38, 1-based): chr11:108,235,803, C>G. VCF-style: chr11-108235803-C-G. GRCh37 (hg19) VCF-style: chr11-108106530-C-G.
Other names: c.465C>G, p.Tyr155Ter (NM_001351834.2); short protein forms Y155*.
Identifiers: ClinVar variation 2735739 (VCV002735739.4), dbSNP rs2079245609, ClinGen allele CA382525475.

ClinVar aggregate classification (germline): Pathogenic. Review status: criteria provided, multiple submitters, no conflicts (2 of 4 stars). 2 submissions from 2 submitters: Pathogenic (2). Last evaluated 2025-12-02.

Conditions:
Hereditary cancer-predisposing syndrome. Also called: Hereditary neoplastic syndrome; Hereditary Cancer Syndrome; Neoplastic Syndromes, Hereditary; Tumor predisposition. Identifiers: Orphanet 140162, MedGen C0027672, MeSH D009386, MONDO:0015356.
Ataxia-telangiectasia syndrome (AT). Also called: Cerebello-oculocutaneous telangiectasia; Immunodeficiency with ataxia telangiectasia; Ataxia telangiectasia (A-T); Ataxia-telangiectasia, complementation group E; LOUIS-BAR SYNDROME; Ataxia-telangiectasia, complementation group D. Identifiers: Orphanet 100, MedGen C0004135, MONDO:0008840, OMIM 208900.

Submissions (2):

Ambry Genetics
Classification: Pathogenic for Hereditary cancer-predisposing syndrome. Last evaluated: 2025-12-02. Review status: criteria provided, single submitter. Criteria: Ambry Variant Classification Scheme 2023. Collection method: clinical testing. Allele origin: germline.
Comment: The p.Y155* pathogenic mutation (also known as c.465C>G), located in coding exon 4 of the ATM gene, results from a C to G substitution at nucleotide position 465. This changes the amino acid from a tyrosine to a stop codon within coding exon 4. In an assay testing ATM function, this variant showed a functionally abnormal result (Lee KS et al. Cell, 2025 Sep;188:5081-5099.e27). This variant is considered to be rare based on population cohorts in the Genome Aggregation Database (gnomAD). This alteration is expected to result in loss of function by premature protein truncation or nonsense-mediated mRNA decay. As such, this alteration is interpreted as a disease-causing mutation.

Labcorp Genetics (formerly Invitae), Labcorp
Classification: Pathogenic for Ataxia-telangiectasia syndrome. Last evaluated: 2023-12-25. Review status: criteria provided, single submitter. Criteria: Invitae Variant Classification Sherloc (09022015). Collection method: clinical testing. Allele origin: germline.
Comment: This sequence change creates a premature translational stop signal (p.Tyr155*) in the ATM gene. It is expected to result in an absent or disrupted protein product. Loss-of-function variants in ATM are known to be pathogenic (PMID: 23807571, 25614872). This variant is not present in population databases (gnomAD no frequency). This premature translational stop signal has been observed in individual(s) with breast cancer (PMID: 28724667, 30607632). Studies have shown that this premature translational stop signal is associated with inconclusive levels of altered splicing (Invitae). For these reasons, this variant has been classified as Pathogenic.

Literature cited by the submitters: PubMed 40580951 (cited by Ambry Genetics); PubMed 23807571 (cited by Labcorp Genetics (formerly Invitae), Labcorp); PubMed 25614872 (cited by Labcorp Genetics (formerly Invitae), Labcorp); PubMed 28724667 (cited by Labcorp Genetics (formerly Invitae), Labcorp); PubMed 30607632 (cited by Labcorp Genetics (formerly Invitae), Labcorp).